The following is an entry in ClinVar:

ClinVar aggregate classification (germline): Uncertain significance (0 of 4 stars; one submission).

Conditions:
RAD21-related disorder. Also called: RAD21- Related disorders; RAD21-related condition.

Submission:

PreventionGenetics, part of Exact Sciences
Classification: Uncertain significance for RAD21-related condition. Last evaluated: 2024-06-24. Review status: no assertion criteria provided. Collection method: clinical testing. Allele origin: germline.
Comment: The RAD21 c.1831C>G variant is predicted to result in the amino acid substitution p.Leu611Val. To our knowledge, this variant has not been reported in the literature or in a large population database, indicating this variant is rare. At this time, the clinical significance of this variant is uncertain due to the absence of conclusive functional and genetic evidence.

NM_006265.3(RAD21):c.1831C>G (p.Leu611Val)

Gene: RAD21 (RAD21 cohesin complex component; minus strand). Cytogenetic location: 8q24.11.
Variant type: single nucleotide variant.
Coding change: c.1831C>G on transcript NM_006265.3 (MANE Select); coding-DNA position 1831, C replaced by G.
Protein change: p.Leu611Val; replaces leucine 611 with valine.
Molecular consequence: missense variant.
Genome position (GRCh38, 1-based): chr8:116,847,565, G>C on the plus strand (C>G on the coding strand, the complement: RAD21 is on the minus strand). VCF-style: chr8-116847565-G-C. GRCh37 (hg19) VCF-style: chr8-117859804-G-C.
Other names: short protein forms L611V.
Identifiers: ClinVar variation 3347797 (VCV003347797.1).